The following is an entry in ClinVar:

NM_018905.3(PCDHA2):c.2388+6328G>T

Genes: PCDHA1 (protocadherin alpha 1; plus strand), PCDHA2 (protocadherin alpha 2; plus strand), PCDHA3 (protocadherin alpha 3; plus strand), PCDHA@ (protocadherin alpha cluster, complex locus; plus strand). Cytogenetic location: 5q31.3.
Variant type: single nucleotide variant.
Coding change: c.2388+6328G>T on transcript NM_018905.3 (MANE Select); 6328 bases into the intron after coding-DNA position 2388, G replaced by T.
Molecular consequence: intron variant. On other transcripts: 3 prime UTR variant (1).
Genome position (GRCh38, 1-based): chr5:140,803,680, G>T. VCF-style: chr5-140803680-G-T. GRCh37 (hg19) VCF-style: chr5-140183265-G-T.
Other names: c.*8G>T (NM_031497.2); c.2394+14996G>T (NM_018900.4); c.1602+15788G>T (NM_031411.3); c.2389-1380G>T (NM_031496.2); c.2394+89G>T (NM_018906.3).
Identifiers: ClinVar variation 3056804 (VCV003056804.2), dbSNP rs7707310, ClinGen allele CA3446781.

ClinVar aggregate classification (germline): Benign (0 of 4 stars; one submission).

Conditions:
PCDHA2-related disorder. Also called: PCDHA2-related condition.

Allele frequency attached by ClinVar (database versions not stated): ExAC 0.01470; 1000 Genomes Project 0.04613; 1000 Genomes Project 30x 0.04950; gnomAD 0.04282; ESP Exome Variant Server 0.04142; TOPMed 0.04781.
gnomAD v4.1: 12,241 of 1,584,414 alleles (0.77%); highest among the groups gnomAD compares: African/African-American, 14%; 807 homozygotes.

Submission:

PreventionGenetics, part of Exact Sciences
Classification: Benign for PCDHA2-related condition. Last evaluated: 2019-12-27. Review status: no assertion criteria provided. Collection method: clinical testing. Allele origin: germline.
Comment: This variant is classified as benign based on ACMG/AMP sequence variant interpretation guidelines (Richards et al. 2015 PMID: 25741868, with internal and published modifications).